The following is an entry in ClinVar:

NM_001048166.1(STIL):c.-14A>G

Gene: STIL (STIL centriolar assembly protein; minus strand). Cytogenetic location: 1p33.
Variant type: single nucleotide variant.
Coding change: c.-14A>G on transcript NM_001048166.1 (MANE Select); 14 bases upstream of the start codon, A replaced by G.
Molecular consequence: 5 prime UTR variant.
Genome position (GRCh38, 1-based): chr1:47,310,333, T>C on the plus strand (A>G on the coding strand, the complement: STIL is on the minus strand). VCF-style: chr1-47310333-T-C. GRCh37 (hg19) VCF-style: chr1-47776005-T-C.
Other names: c.-14A>G (NM_001282936.1, NM_001282937.1, NM_001282938.1 and 3 more transcripts).
Identifiers: ClinVar variation 3907283 (VCV003907283.1).

ClinVar aggregate classification (germline): Uncertain significance (1 of 4 stars; one submission).

gnomAD v4.1: 12 of 1,612,064 alleles (0.00074%); highest among the groups gnomAD compares: African/African-American, 0.0027%; no homozygotes.

Submission:

Women's Health and Genetics/Laboratory Corporation of America, LabCorp
Classification: Uncertain significance. Last evaluated: 2025-06-27. Review status: criteria provided, single submitter. Criteria: LabCorp Variant Classification Summary - May 2015. Collection method: clinical testing. Allele origin: germline.
Comment: Variant summary: STIL c.-14A>G is located in the untranslated mRNA region upstream of the initiation codon. The variant allele was found at a frequency of 8e-06 in 250796 control chromosomes. The available data on variant occurrences in the general population are insufficient to allow any conclusion about variant significance. To our knowledge, no occurrence of c.-14A>G in individuals affected with Autosomal Recessive Primary Microcephaly and no experimental evidence demonstrating its impact on protein function have been reported. No submitters have cited clinical-significance assessments for this variant to ClinVar. Based on the evidence outlined above, the variant was classified as uncertain significance.